The following is an entry in ClinVar:

NM_000338.3(SLC12A1):c.1685C>T (p.Ala562Val)

Gene: SLC12A1 (solute carrier family 12 member 1; plus strand). Cytogenetic location: 15q21.1.
Variant type: single nucleotide variant.
Coding change: c.1685C>T on transcript NM_000338.3 (MANE Select); coding-DNA position 1685, C replaced by T.
Protein change: p.Ala562Val; replaces alanine 562 with valine.
Molecular consequence: missense variant.
Genome position (GRCh38, 1-based): chr15:48,249,575, C>T. VCF-style: chr15-48249575-C-T. GRCh37 (hg19) VCF-style: chr15-48541772-C-T.
Other names: c.1685C>T, p.Ala562Val (NM_001184832.2, NM_001384136.1); short protein forms A562V.
Identifiers: ClinVar variation 4852111 (VCV004852111.1).

ClinVar aggregate classification (germline): Likely pathogenic (1 of 4 stars; one submission).

Conditions:
Bartter disease type 1. Also called: HYPERPROSTAGLANDIN E SYNDROME 1; HYPOKALEMIC ALKALOSIS WITH HYPERCALCIURIA 1, ANTENATAL; Bartter Syndrome type 1; Bartter syndrome, type 1, antenatal. Identifiers: Orphanet 112, Orphanet 620217, MedGen C1866495, MONDO:0100344, OMIM 601678, MONDO:0011127.

gnomAD v4.1: 5 of 1,611,480 alleles (0.00031%); highest among the groups gnomAD compares: Non-Finnish European, 0.00034%; no homozygotes.

Submission:

Centre for Medical Genetics,  Mumbai
Classification: Likely pathogenic for Bartter disease type 1. Last evaluated: 2026-04-21. Review status: criteria provided, single submitter. Criteria: ACMG Guidelines, 2015. Collection method: provider interpretation. Allele origin: germline. Inheritance: Autosomal recessive inheritance. Affected: yes. Observed: 1 variant allele, 1 homozygote.
Comment: The variant satisfies PM2 criteria - extremely low frequency in gnomAD population databases. The variant satisfies PP3 criteria - for a missense or a splicing region variant, computational prediction tools unanimously support a deleterious effect on the gene. Hence, the variant should be considered as a likely pathogenic variant.

Literature cited by the submitters: PubMed 8640224.